The following is an entry in ClinVar:

ClinVar aggregate classification (germline): Benign/Likely benign. Review status: criteria provided, multiple submitters, no conflicts (2 of 4 stars). 5 submissions from 5 submitters: Benign (3); Likely benign (2). Last evaluated 2026-01-30.

Conditions:
Lynch syndrome 4 (LYNCH4). Also called: Hereditary non-polyposis colorectal cancer, type 4; Colorectal cancer, hereditary nonpolyposis, type 4. Identifiers: Orphanet 144, MedGen C1838333, MONDO:0013699, OMIM 614337. Disease mechanism: loss of function.
Hereditary nonpolyposis colorectal neoplasms. Identifiers: MedGen C0009405, MeSH D003123.
Hereditary cancer-predisposing syndrome. Also called: Tumor predisposition; Neoplastic Syndromes, Hereditary; Hereditary neoplastic syndrome; Hereditary Cancer Syndrome. Identifiers: Orphanet 140162, MedGen C0027672, MeSH D009386, MONDO:0015356.

Allele frequency attached by ClinVar (database versions not stated): gnomAD 0.00001 and 0.00008; TOPMed 0.00003; gnomAD exomes 0.00016 and 0.00036; ExAC 0.00048; 1000 Genomes Project 30x 0.00078; 1000 Genomes Project 0.00100.
gnomAD v4.1: 240 of 1,550,034 alleles (0.015%); highest among the groups gnomAD compares: South Asian, 0.25%; 4 homozygotes.

Submissions (5):

Labcorp Genetics (formerly Invitae), Labcorp
Classification: Benign for Hereditary nonpolyposis colorectal neoplasms. Last evaluated: 2026-01-30. Review status: criteria provided, single submitter. Criteria: Invitae Variant Classification Sherloc (09022015). Collection method: clinical testing. Allele origin: germline.

Blueprint Genetics
Classification: Likely benign. Last evaluated: 2024-10-08. Review status: criteria provided, single submitter. Criteria: ACMG Guidelines, 2015. Collection method: clinical testing. Allele origin: germline.

KCCC/NGS Laboratory, Kuwait Cancer Control Center
Classification: Benign for Lynch syndrome 4. Last evaluated: 2023-07-07. Review status: criteria provided, single submitter. Criteria: ACMG Guidelines, 2015. Collection method: clinical testing. Allele origin: germline. Affected: yes.

GeneDx
Classification: Likely benign. Last evaluated: 2017-04-19. Review status: criteria provided, single submitter. Criteria: GeneDx Variant Classification (06012015). Collection method: clinical testing. Allele origin: germline. Affected: yes.
Comment: This variant is considered likely benign or benign based on one or more of the following criteria: it is a conservative change, it occurs at a poorly conserved position in the protein, it is predicted to be benign by multiple in silico algorithms, and/or has population frequency not consistent with disease.

Color Diagnostics, LLC DBA Color Health
Classification: Benign for Hereditary cancer-predisposing syndrome. Last evaluated: 2016-01-11. Review status: criteria provided, single submitter. Criteria: ACMG Guidelines, 2015. Collection method: clinical testing. Allele origin: germline.

NM_000535.7(PMS2):c.537+17C>T

Gene: PMS2 (PMS1 homolog 2, mismatch repair system component; minus strand). Cytogenetic location: 7p22.1.
Variant type: single nucleotide variant.
Coding change: c.537+17C>T on transcript NM_000535.7 (MANE Select); 17 bases into the intron after coding-DNA position 537, C replaced by T.
Molecular consequence: intron variant.
Genome position (GRCh38, 1-based): chr7:6,002,436, G>A on the plus strand (C>T on the coding strand, the complement: PMS2 is on the minus strand). VCF-style: chr7-6002436-G-A. GRCh37 (hg19) VCF-style: chr7-6042067-G-A.
Other names: c.537+17C>T (NM_000535.6, NM_001322006.2, NM_001322014.2); c.219+17C>T (NM_001322008.2, NM_001322007.2); c.132+17C>T (NM_001322010.2, NM_001322004.2, NM_001322013.2 and 3 more transcripts); c.-348+17C>T (NM_001322012.2, NM_001322011.2); c.228+17C>T (NM_001322015.2).
Identifiers: ClinVar variation 379158 (VCV000379158.12), dbSNP rs548285941, ClinGen allele CA050089.